The following is an entry in ClinVar:

ClinVar aggregate classification (germline): Pathogenic/Likely pathogenic. Review status: criteria provided, multiple submitters, no conflicts (2 of 4 stars). 2 submissions from 2 submitters: Pathogenic (1); Likely pathogenic (1). Last evaluated 2023-12-30.

Conditions:
Neutral 1 amino acid transport defect (HND). Also called: Hartnup disease; HARTNUP DISORDER. Identifiers: Orphanet 2116, MedGen C0018609, MONDO:0009324, OMIM 234500.

Allele frequency attached by ClinVar (database versions not stated): gnomAD 0.00001; TOPMed 0.00001; gnomAD exomes 0.00003.

Submissions (2):

Fulgent Genetics
Classification: Likely pathogenic for Neutral 1 amino acid transport defect. Last evaluated: 2023-12-30. Review status: criteria provided, single submitter. Criteria: ACMG Guidelines, 2015. Collection method: clinical testing. Allele origin: germline.

Labcorp Genetics (formerly Invitae), Labcorp
Classification: Pathogenic. Last evaluated: 2022-04-16. Review status: criteria provided, single submitter. Criteria: Invitae Variant Classification Sherloc (09022015). Collection method: clinical testing. Allele origin: germline.
Comment: For these reasons, this variant has been classified as Pathogenic. Experimental studies have shown that this missense change affects SLC6A19 function (PMID: 15286788). Advanced modeling of protein sequence and biophysical properties (such as structural, functional, and spatial information, amino acid conservation, physicochemical variation, residue mobility, and thermodynamic stability) performed at Invitae indicates that this missense variant is expected to disrupt SLC6A19 protein function. This missense change has been observed in individual(s) with Hartnup disorder (PMID: 15286788). In at least one individual the data is consistent with being in trans (on the opposite chromosome) from a pathogenic variant. It has also been observed to segregate with disease in related individuals. This variant is present in population databases (no rsID available, gnomAD 0.007%). This sequence change replaces glutamic acid, which is acidic and polar, with lysine, which is basic and polar, at codon 501 of the SLC6A19 protein (p.Glu501Lys).

Literature cited by the submitters: PubMed 15286788 (cited by Labcorp Genetics (formerly Invitae), Labcorp).

NM_001003841.3(SLC6A19):c.1501G>A (p.Glu501Lys)

Gene: SLC6A19 (solute carrier family 6 member 19; plus strand). Cytogenetic location: 5p15.33.
Variant type: single nucleotide variant.
Coding change: c.1501G>A on transcript NM_001003841.3 (MANE Select); coding-DNA position 1501, G replaced by A.
Protein change: p.Glu501Lys; replaces glutamic acid 501 with lysine.
Molecular consequence: missense variant.
Genome position (GRCh38, 1-based): chr5:1,219,627, G>A. VCF-style: chr5-1219627-G-A. GRCh37 (hg19) VCF-style: chr5-1219742-G-A.
Other names: short protein forms E501K.
Identifiers: ClinVar variation 2203604 (VCV002203604.5), dbSNP rs1236852017, ClinGen allele CA359075496.